The following is an entry in ClinVar:

NM_001083962.2(TCF4):c.1491G>A (p.Met497Ile)

Gene: TCF4 (transcription factor 4; minus strand). Cytogenetic location: 18q21.2.
Variant type: single nucleotide variant.
Coding change: c.1491G>A on transcript NM_001083962.2 (MANE Select); coding-DNA position 1491, G replaced by A.
Protein change: p.Met497Ile; replaces methionine 497 with isoleucine.
Molecular consequence: missense variant.
Genome position (GRCh38, 1-based): chr18:55,232,667, C>T on the plus strand (G>A on the coding strand, the complement: TCF4 is on the minus strand). VCF-style: chr18-55232667-C-T. GRCh37 (hg19) VCF-style: chr18-52899898-C-T.
Other names: c.1419G>A, p.Met473Ile (NM_001348219.2, NM_001348217.1, NM_001348218.2 and 5 more transcripts); c.1416G>A, p.Met472Ile (NM_001348220.1, NM_001369581.1, NM_001369576.1 and 6 more transcripts); c.1491G>A, p.Met497Ile (NM_001369567.1, NM_001369568.1, NM_001369571.1 and 2 more transcripts); c.1488G>A, p.Met496Ile (NM_001369569.1, NM_001369570.1, NM_001330604.3 and 2 more transcripts); c.1011G>A, p.Met337Ile (NM_001348216.2, NM_001243234.2, NM_001243235.2 and 1 more transcripts); c.1797G>A, p.Met599Ile (NM_001243226.3); c.1509G>A, p.Met503Ile (NM_001243228.2); c.1482G>A, p.Met494Ile (NM_001243230.2); and 6 more; short protein forms M281I, M367I, M497I, M426I, M472I, M494I, M503I, M599I.
Identifiers: ClinVar variation 3692933 (VCV003692933.2).
Genomic context (GRCh38, chr18:55,232,667, plus strand): 5'-GTCATCGGATTTGATCTCAGAGCTGCCAGAGGAGACACTCTGCCCCTGTAGTCCTGGTGG[C>T]ATGCCTGCCGAAAAAGAGAAATCAGGTGACATGTACACCACAATCTCACTGCCTGCACAC-3'
Protein context (NP_001077431.1, residues 487-507): LNPPQDPYRG[Met497Ile]PPGLQGQSVS

ClinVar aggregate classification (germline): Uncertain significance (1 of 4 stars; one submission).

Conditions:
Pitt-Hopkins syndrome (PTHS). Also called: ENCEPHALOPATHY, SEVERE EPILEPTIC, WITH AUTONOMIC DYSFUNCTION; MENTAL RETARDATION, SYNDROMAL, WITH INTERMITTENT HYPERVENTILATION. Identifiers: Orphanet 2896, MedGen C1970431, MONDO:0012589, OMIM 610954.

gnomAD v4.1: 1 of 1,614,152 alleles (0.000062%); highest among the groups gnomAD compares: Non-Finnish European, 0.000085%; no homozygotes.

Submission:

Labcorp Genetics (formerly Invitae), Labcorp
Classification: Uncertain significance for Pitt-Hopkins syndrome. Last evaluated: 2024-05-14. Review status: criteria provided, single submitter. Criteria: Invitae Variant Classification Sherloc (09022015). Collection method: clinical testing. Allele origin: germline.
Comment: This sequence change replaces methionine, which is neutral and non-polar, with isoleucine, which is neutral and non-polar, at codon 497 of the TCF4 protein (p.Met497Ile). This variant is not present in population databases (gnomAD no frequency). This variant has not been reported in the literature in individuals affected with TCF4-related conditions. Advanced modeling of protein sequence and biophysical properties (such as structural, functional, and spatial information, amino acid conservation, physicochemical variation, residue mobility, and thermodynamic stability) performed at Invitae indicates that this missense variant is not expected to disrupt TCF4 protein function with a negative predictive value of 95%. In summary, the available evidence is currently insufficient to determine the role of this variant in disease. Therefore, it has been classified as a Variant of Uncertain Significance.